The following is an entry in ClinVar:

ClinVar aggregate classification (germline): Conflicting classifications of pathogenicity. Review status: criteria provided, conflicting classifications (1 of 4 stars). 14 submissions from 14 submitters: Uncertain significance (8); Likely benign (5). 1 of the submissions does not count toward it. Last evaluated 2025-08-18.

Conditions:
RAD51C-related disorder. Also called: RAD51C-related condition; RAD51C-related disorders.
Fanconi anemia complementation group O. Also called: RAD51C-Related Fanconi Anemia. Identifiers: Orphanet 84, MedGen C3150653, MONDO:0013248, OMIM 613390.
Breast-ovarian cancer, familial, susceptibility to, 3. Also called: RAD51C-Related Breast/Ovarian Cancer. Identifiers: Orphanet 145, MedGen C3150659, MONDO:0013253, OMIM 613399.
Hereditary cancer-predisposing syndrome. Also called: Tumor predisposition; Neoplastic Syndromes, Hereditary; Hereditary Cancer Syndrome; Hereditary neoplastic syndrome. Identifiers: Orphanet 140162, MedGen C0027672, MeSH D009386, MONDO:0015356.

Allele frequency attached by ClinVar (database versions not stated): gnomAD 0.00025; 1000 Genomes Project 0.00040; 1000 Genomes Project 30x 0.00062; gnomAD exomes 0.00002; TOPMed 0.00014; ESP Exome Variant Server 0.00023.
gnomAD v4.1: 45 of 1,613,282 alleles (0.0028%); highest among the groups gnomAD compares: African/African-American, 0.06%; no homozygotes.

Submissions (14):

Ambry Genetics
Classification: Likely benign for Hereditary cancer-predisposing syndrome. Last evaluated: 2025-08-18. Review status: criteria provided, single submitter. Criteria: Ambry Variant Classification Scheme 2023. Collection method: clinical testing. Allele origin: germline.

Women's Health and Genetics/Laboratory Corporation of America, LabCorp
Classification: Uncertain significance. Last evaluated: 2025-04-07. Review status: criteria provided, single submitter. Criteria: LabCorp Variant Classification Summary - May 2015. Collection method: clinical testing. Allele origin: germline.
Comment: Variant summary: RAD51C c.922G>T (p.Ala308Ser) results in a conservative amino acid change located in the C-terminal domain (IPR013632) of the encoded protein sequence. Three of five in-silico tools predict a benign effect of the variant on protein function. The variant allele was found at a frequency of 3.6e-05 in 251384 control chromosomes. Although the available data on variant occurrences in the general population are insufficient to allow any conclusion about variant significance for Autosomal Recessive Fanconi Anemia Complementation Group O, the variant allele was found at a frequency of 7.3e-05 in 396098 control chromosomes (gnomAD v2.1 and v3.1-non-v2 datasets), and was exclusively reported within the African or African-American subpopulation at a frequency of 0.00054. The observed variant frequency within African or African-American control individuals in the gnomAD database is approximately 8-fold of the estimated maximal expected allele frequency for a pathogenic variant in RAD51C causing Hereditary Breast and Ovarian Cancer Syndrome phenotype (6.3e-05), suggesting that the variant is a benign polymorphism found primarily in populations of African or African-American origin. In addition, the variant has also been reported in 4 / 2559 African American women, who are older than age 70 and cancer free (FLOSSIES database). c.922G>T has been reported in the literature in an individual affected with breast cancer (Dorling_2021) and another individual affected with a tumor that belongs to the Lynch syndrome tumor spectrum (Yurgelun_2015), however no supportive evidence for causality was provided. These report(s) do not provide unequivocal conclusions about association of the variant with Fanconi Anemia Complementation Group O or Hereditary Breast And Ovarian Cancer Syndrome. To our knowledge, no experimental evidence demonstrating an impact on protein function has been reported. The following publications have been ascertained in the context of this evaluation (PMID: 33471991, 32832836, 25980754). ClinVar contains an entry for this variant (Variation ID: 186543). Based on the evidence outlined above, the variant was classified as uncertain significance.

PreventionGenetics, part of Exact Sciences
Classification: Uncertain significance for RAD51C-related condition. Last evaluated: 2025-02-12. Review status: criteria provided, single submitter. Criteria: ACMG Guidelines, 2015. Collection method: clinical testing. Allele origin: germline.
Comment: The RAD51C c.922G>T variant is predicted to result in the amino acid substitution p.Ala308Ser. This variant has been reported in an individual undergoing Lynch syndrome testing (Table S2, Yurgelun et al. 2015. PubMed ID: 25980754) an individual with breast cancer (Table S22, Dorling et al. 2021. PubMed ID: 33471991) and in an individual with prostate cancer (Matejcic et al. 2020. PubMed ID: 32832836). This variant is reported in 0.068% of alleles in individuals of African descent in gnomAD and has conflicting interpretations of likely benign and uncertain in the ClinVar. At this time, the clinical significance of this variant is uncertain due to the absence of conclusive functional and genetic evidence.

Labcorp Genetics (formerly Invitae), Labcorp
Classification: Uncertain significance for Fanconi anemia complementation group O. Last evaluated: 2025-02-04. Review status: criteria provided, single submitter. Criteria: Invitae Variant Classification Sherloc (09022015). Collection method: clinical testing. Allele origin: germline.
Comment: This sequence change replaces alanine, which is neutral and non-polar, with serine, which is neutral and polar, at codon 308 of the RAD51C protein (p.Ala308Ser). This variant is present in population databases (rs185057307, gnomAD 0.07%). This missense change has been observed in individual(s) with clinical features of Lynch syndrome (PMID: 25980754). ClinVar contains an entry for this variant (Variation ID: 186543). Invitae Evidence Modeling of protein sequence and biophysical properties (such as structural, functional, and spatial information, amino acid conservation, physicochemical variation, residue mobility, and thermodynamic stability) indicates that this missense variant is not expected to disrupt RAD51C protein function with a negative predictive value of 80%. In summary, the available evidence is currently insufficient to determine the role of this variant in disease. Therefore, it has been classified as a Variant of Uncertain Significance.

Quest Diagnostics Nichols Institute San Juan Capistrano
Classification: Likely benign. Last evaluated: 2025-01-14. Review status: criteria provided, single submitter. Criteria: Quest Diagnostics criteria. Collection method: clinical testing. Allele origin: unknown.

GeneDx
Classification: Uncertain significance. Last evaluated: 2024-11-10. Review status: criteria provided, single submitter. Criteria: GeneDx Variant Classification Process June 2021. Collection method: clinical testing. Allele origin: germline. Affected: yes.
Comment: Observed in individuals with prostate cancer and Lynch syndrome-related cancer and/or polyps (PMID: 25980754, 32832836); In silico analysis indicates that this missense variant does not alter protein structure/function; Published functional studies demonstrate no damaging effect on protein interactions, and classified as functional based on a saturation genome editing assay assessing cell fitness (PMID: 36099300, 39299233); This variant is associated with the following publications: (PMID: 33471991, 32832836, 25980754, 14704354, 39299233, 36099300)

CeGaT Center for Human Genetics Tuebingen
Classification: Likely benign. Last evaluated: 2024-11-01. Review status: criteria provided, single submitter. Criteria: CeGaT Center For Human Genetics Tuebingen Variant Classification Criteria Version 2. Collection method: clinical testing. Allele origin: germline. Affected: yes. Observed: 1 variant allele.
Comment: RAD51C: BP4, BS3:Supporting

Baylor Genetics
Classification: Uncertain significance for Breast-ovarian cancer, familial, susceptibility to, 3. Last evaluated: 2024-02-24. Review status: criteria provided, single submitter. Criteria: ACMG Guidelines, 2015. Collection method: clinical testing. Allele origin: unknown.

Color Diagnostics, LLC DBA Color Health
Classification: Likely benign for Hereditary cancer-predisposing syndrome. Last evaluated: 2023-08-23. Review status: criteria provided, single submitter. Criteria: ACMG Guidelines, 2015. Collection method: clinical testing. Allele origin: germline.

Myriad Genetics, Inc.
Classification: Likely benign for Breast-ovarian cancer, familial, susceptibility to, 3. Last evaluated: 2023-04-05. Review status: criteria provided, single submitter. Criteria: Myriad Autosomal Dominant, Autosomal Recessive and X-Linked Classification Criteria (2023). Collection method: clinical testing. Allele origin: unknown.
Comment: This variant is considered likely benign. This variant is strongly associated with less severe personal and family histories of cancer, typical for individuals without pathogenic variants in this gene [PMID: 25085752].

Blueprint Genetics
Classification: Uncertain significance. Last evaluated: 2022-09-09. Review status: criteria provided, single submitter. Criteria: ACMG Guidelines, 2015. Collection method: clinical testing. Allele origin: germline.

St. Jude Molecular Pathology, St. Jude Children's Research Hospital
Classification: Uncertain significance for Breast-ovarian cancer, familial, susceptibility to, 3. Last evaluated: 2022-09-09. Review status: criteria provided, single submitter. Criteria: St. Jude Assertion Criteria 2020. Collection method: clinical testing. Allele origin: germline.
Comment: The RAD51C c.922G>T (p.Ala308Ser) missense change has a maximum subpopulation frequency of 0.068% in gnomAD v2.1.1. The in silico tool REVEL predicts a benign effect on protein function, but to our knowledge this prediction has not been confirmed by functional studies. Four individual(s) with this variant are reported in a database of women older than 70 years of age who have never had cancer (FLOSSIES). To our knowledge, this variant has not been reported in individuals with hereditary breast and ovarian cancer or Fanconi anemia. In summary, the evidence currently available is insufficient to determine the clinical significance of this variant. It has therefore been classified as of uncertain significance.

Sema4
Classification: Uncertain significance for Hereditary cancer-predisposing syndrome. Last evaluated: 2021-12-17. Review status: criteria provided, single submitter. Criteria: Sema4 Curation Guidelines. Collection method: curation. Allele origin: germline.
Comment: The RAD51C c.922G>T (p.A308S) variant has been reported in heterozygosity in at least 2 individuals with breast cancer, Lynch syndrome-associated cancers and/or colorectal polyps (PMID: 25980754, 33471991). This variant was observed in 17/24962 chromosomes in the African/African American population, according to the Genome Aggregation Database (PMID: 32461654). This variant has been reported in ClinVar (Variation ID: 186543). Functional studies have not been performed, and in silico predictions of the variant's effect on protein function are inconclusive. The evidence is insufficient to meet ACMG/AMP criteria for classifying the variant as benign or pathogenic. Thus, the clinical significance of this variant is currently uncertain.

Counsyl
Classification: Uncertain significance for Fanconi anemia complementation group O; Breast-ovarian cancer, familial, susceptibility to, 3. Last evaluated: 2017-12-22. Review status: no assertion criteria provided. Collection method: clinical testing. Allele origin: unknown. Not counted in ClinVar's aggregate classification.

Literature cited by the submitters: PubMed 39299233 (cited by Ambry Genetics and Quest Diagnostics Nichols Institute San Juan Capistrano); PubMed 25980754 (cited by 5 submitters); PubMed 32832836 (cited by Women's Health and Genetics/Laboratory Corporation of America, LabCorp and Quest Diagnostics Nichols Institute San Juan Capistrano); PubMed 33471991 (cited by 3 submitters); PubMed 36099300 (cited by Quest Diagnostics Nichols Institute San Juan Capistrano); PubMed 25085752 (cited by Myriad Genetics, Inc.).

NM_058216.3(RAD51C):c.922G>T (p.Ala308Ser)

Gene: RAD51C (RAD51 paralog C; plus strand). Cytogenetic location: 17q22.
Variant type: single nucleotide variant.
Coding change: c.922G>T on transcript NM_058216.3 (MANE Select); coding-DNA position 922, G replaced by T.
Protein change: p.Ala308Ser; replaces alanine 308 with serine.
Molecular consequence: missense variant. On other transcripts: non-coding transcript variant (1).
Genome position (GRCh38, 1-based): chr17:58,724,057, G>T. VCF-style: chr17-58724057-G-T. GRCh37 (hg19) VCF-style: chr17-56801418-G-T.
Other names: short protein forms A308S.
Identifiers: ClinVar variation 186543 (VCV000186543.54), dbSNP rs185057307, ClinGen allele CA195122.
Genomic context (GRCh38, chr17:58,724,057, plus strand): 5'-AGTCAGTAAGGCCATATACAGTTATTATGTTTTTTACTCTCAGGGGAAAGTTGGGGACAT[G>T]CTGCTACAATACGGCTAATCTTTCATTGGGACCGAAAGCAAAGGTCAGTACAGAAACAAG-3'
Protein context (NP_478123.1, residues 298-318): VPALGESWGH[Ala308Ser]ATIRLIFHWD